The following is an entry in ClinVar:

NM_020806.5(GPHN):c.1836+4T>C

Gene: GPHN (gephyrin; plus strand). Cytogenetic location: 14q23.3.
Variant type: single nucleotide variant.
Coding change: c.1836+4T>C on transcript NM_020806.5 (MANE Select); 4 bases into the intron after coding-DNA position 1836, T replaced by C.
Molecular consequence: intron variant.
Genome position (GRCh38, 1-based): chr14:67,143,453, T>C. VCF-style: chr14-67143453-T-C. GRCh37 (hg19) VCF-style: chr14-67610170-T-C.
Other names: c.1896+4T>C (NM_001377514.1); c.1776+4T>C (NM_001377519.1); c.1866+4T>C (NM_001377515.1); c.1857+4T>C (NM_001377516.1); c.1794+4T>C (NM_001377518.1); c.1809+4T>C (NM_001377517.1); c.1737+4T>C (NM_001024218.2).
Identifiers: ClinVar variation 3647152 (VCV003647152.2).

ClinVar aggregate classification (germline): Uncertain significance (1 of 4 stars; one submission).

Conditions:
Sulfite oxidase deficiency due to molybdenum cofactor deficiency type C. Also called: Molybdenum cofactor deficiency, complementation group C; Molybdenum cofactor deficiency C. Identifiers: Orphanet 308400, Orphanet 833, MedGen C1854990, MONDO:0014212, OMIM 615501.

gnomAD v4.1: 2 of 1,536,568 alleles (0.00013%); highest among the groups gnomAD compares: Non-Finnish European, 0.00018%; no homozygotes.

Submission:

Labcorp Genetics (formerly Invitae), Labcorp
Classification: Uncertain significance for Sulfite oxidase deficiency due to molybdenum cofactor deficiency type C. Last evaluated: 2025-05-12. Review status: criteria provided, single submitter. Criteria: Invitae Variant Classification Sherloc (09022015). Collection method: clinical testing. Allele origin: germline.
Comment: This sequence change falls in intron 18 of the GPHN gene. It does not directly change the encoded amino acid sequence of the GPHN protein. It affects a nucleotide within the consensus splice site. This variant is not present in population databases (gnomAD no frequency). This variant has not been reported in the literature in individuals affected with GPHN-related conditions. ClinVar contains an entry for this variant (Variation ID: 3647152). Variants that disrupt the consensus splice site are a relatively common cause of aberrant splicing (PMID: 17576681, 9536098). Algorithms developed to predict the effect of sequence changes on RNA splicing suggest that this variant is not likely to affect RNA splicing. In summary, the available evidence is currently insufficient to determine the role of this variant in disease. Therefore, it has been classified as a Variant of Uncertain Significance.

Literature cited by the submitters: PubMed 17576681; PubMed 9536098.